The following is an entry in ClinVar:

NM_004168.4(SDHA):c.1775A>T (p.His592Leu)

Gene: SDHA (succinate dehydrogenase complex flavoprotein subunit A; plus strand). Cytogenetic location: 5p15.33.
Variant type: single nucleotide variant.
Coding change: c.1775A>T on transcript NM_004168.4 (MANE Select); coding-DNA position 1775, A replaced by T.
Protein change: p.His592Leu; replaces histidine 592 with leucine.
Molecular consequence: missense variant. On other transcripts: intron variant (1).
Genome position (GRCh38, 1-based): chr5:251,449, A>T. VCF-style: chr5-251449-A-T. GRCh37 (hg19) VCF-style: chr5-251564-A-T.
Other names: c.1552-2944A>T (NM_001330758.2); c.1631A>T, p.His544Leu (NM_001294332.2); short protein forms H544L, H592L.
Identifiers: ClinVar variation 3754212 (VCV003754212.2).
Genomic context (GRCh38, chr5:251,449, plus strand): 5'-TGCTGTGTGCGCTGCAGACCATCTACGGAGCAGAGGCACGGAAGGAGTCACGGGGCGCGC[A>T]TGCCAGGGAAGACTACAAGGTGGGCCTTCTCACCACGCCCACCTGCACCTGCCTTTTCCT-3'
Protein context (NP_004159.2, residues 582-602): AEARKESRGA[His592Leu]AREDYKVRID

ClinVar aggregate classification (germline): Uncertain significance (1 of 4 stars; one submission).

Conditions:
Mitochondrial complex II deficiency, nuclear type 1. Also called: SUCCINATE CoQ REDUCTASE DEFICIENCY. Identifiers: Orphanet 3208, MedGen C5700310, MONDO:0100294, OMIM 252011.
Pheochromocytoma/paraganglioma syndrome 5. Also called: Paragangliomas 5; SDHA-Related Hereditary Paraganglioma-Pheochromocytoma Syndrome. Identifiers: Orphanet 29072, MedGen C3279992, MONDO:0013602, OMIM 614165.

Submission:

Labcorp Genetics (formerly Invitae), Labcorp
Classification: Uncertain significance for Pheochromocytoma/paraganglioma syndrome 5; Mitochondrial complex II deficiency, nuclear type 1. Last evaluated: 2025-01-07. Review status: criteria provided, single submitter. Criteria: Invitae Variant Classification Sherloc (09022015). Collection method: clinical testing. Allele origin: germline.
Comment: This sequence change replaces histidine, which is basic and polar, with leucine, which is neutral and non-polar, at codon 592 of the SDHA protein (p.His592Leu). This variant is not present in population databases (gnomAD no frequency). This variant has not been reported in the literature in individuals affected with SDHA-related conditions. Invitae Evidence Modeling of protein sequence and biophysical properties (such as structural, functional, and spatial information, amino acid conservation, physicochemical variation, residue mobility, and thermodynamic stability) indicates that this missense variant is expected to disrupt SDHA protein function with a positive predictive value of 80%. In summary, the available evidence is currently insufficient to determine the role of this variant in disease. Therefore, it has been classified as a Variant of Uncertain Significance.